The following is an entry in ClinVar:

ClinVar aggregate classification (germline): Conflicting classifications of pathogenicity. Review status: criteria provided, conflicting classifications (1 of 4 stars). 5 submissions from 3 submitters: Uncertain significance (1); Benign (3); Likely benign (1). Last evaluated 2023-06-01.

Conditions:
Maturity-onset diabetes of the young type 13. Also called: MODY, TYPE 13. Identifiers: Orphanet 552, MedGen C4225365, MONDO:0014589, OMIM 616329.
Maturity-onset diabetes of the young (MODY). Also called: Maturity onset diabetes mellitus in young. Identifiers: Orphanet 552, MedGen C0342276, MONDO:0018911, HP:0004904.
Diabetes mellitus, transient neonatal, 3 (TNDM3). Identifiers: Orphanet 99886, MedGen C1864623, MONDO:0012522, OMIM 610582. Disease mechanism: loss of function.
Hyperinsulinemic hypoglycemia, familial, 2. Also called: HYPERINSULINEMIC HYPOGLYCEMIA, PERSISTENT; HYPERINSULINISM, NEONATAL. Identifiers: Orphanet 276580, Orphanet 276603, MedGen C2931833, MONDO:0011153, OMIM 601820. Disease mechanism: loss of function.

Allele frequency attached by ClinVar (database versions not stated): gnomAD exomes 0.00321; TOPMed 0.00169; gnomAD 0.00187 and 0.00214; 1000 Genomes Project 0.00220; 1000 Genomes Project 30x 0.00250.
gnomAD v4.1: 328 of 152,666 alleles (0.21%); highest among the groups gnomAD compares: Middle Eastern, 1%; 2 homozygotes.

Submissions (5):

CeGaT Center for Human Genetics Tuebingen
Classification: Likely benign. Last evaluated: 2023-06-01. Review status: criteria provided, single submitter. Criteria: CeGaT Center For Human Genetics Tuebingen Variant Classification Criteria Version 2. Collection method: clinical testing. Allele origin: germline. Affected: yes. Observed: 2 variant alleles.
Comment: KCNJ11: BS1

Illumina Laboratory Services, Illumina
Classification: Benign for Maturity-onset diabetes of the young type 13. Last evaluated: 2018-01-13. Review status: criteria provided, single submitter. Criteria: ICSL Variant Classification Criteria 13 December 2019. Collection method: clinical testing. Allele origin: germline.
Comment: This variant was observed in the ICSL laboratory as part of a predisposition screen in an ostensibly healthy population. It had not been previously curated by ICSL or reported in the Human Gene Mutation Database (HGMD: prior to June 1st, 2018), and was therefore a candidate for classification through an automated scoring system. Utilizing variant allele frequency, disease prevalence and penetrance estimates, and inheritance mode, an automated score was calculated to assess if this variant is too frequent to cause the disease. Based on the score and internal cut-off values, a variant classified as benign is not then subjected to further curation. The score for this variant resulted in a classification of benign for this disease.

Illumina Laboratory Services, Illumina
Classification: Benign for Diabetes mellitus, transient neonatal, 3. Last evaluated: 2018-01-13. Review status: criteria provided, single submitter. Criteria: ICSL Variant Classification Criteria 13 December 2019. Collection method: clinical testing. Allele origin: germline.
Comment: the same text as in the submission from Illumina Laboratory Services, Illumina above.

Illumina Laboratory Services, Illumina
Classification: Uncertain significance for Hyperinsulinemic hypoglycemia, familial, 2. Last evaluated: 2018-01-13. Review status: criteria provided, single submitter. Criteria: ICSL Variant Classification Criteria 13 December 2019. Collection method: clinical testing. Allele origin: germline.

Clinical Genomics, Uppaluri K&H Personalized Medicine Clinic
Classification: Benign for Maturity-onset diabetes of the young. Review status: criteria provided, single submitter. Criteria: K & H Uppaluri Personalized Medicine Clinic Variant Classification & Assertion Criteria_Updated V.1. Collection method: research. Allele origin: unknown. Inheritance: Autosomal dominant inheritance.
Comment: Mutations in KCNJ11 gene can cause decreased production and secretion of insulin. This can lead to MODY which may be responsive to oral sulfonylureas. It is also associated with Neonatal Diabetes. However, no sufficient evidence is found to ascertain the role of this particular variant (rs191682072) in MODY yet.

Literature cited by the submitters: PubMed 26448950 (cited by Clinical Genomics, Uppaluri K&H Personalized Medicine Clinic); PubMed 15580558 (cited by Clinical Genomics, Uppaluri K&H Personalized Medicine Clinic); PubMed 15718250 (cited by Clinical Genomics, Uppaluri K&H Personalized Medicine Clinic); PubMed 32935446 (cited by Clinical Genomics, Uppaluri K&H Personalized Medicine Clinic); PubMed 22701567 (cited by Clinical Genomics, Uppaluri K&H Personalized Medicine Clinic).

NM_000525.4(KCNJ11):c.*1197G>A

Gene: KCNJ11 (potassium inwardly rectifying channel subfamily J member 11; minus strand). Cytogenetic location: 11p15.1.
Variant type: single nucleotide variant.
Coding change: c.*1197G>A on transcript NM_000525.4 (MANE Select); 1197 bases downstream of the stop codon, G replaced by A.
Molecular consequence: 3 prime UTR variant.
Genome position (GRCh38, 1-based): chr11:17,385,722, C>T on the plus strand (G>A on the coding strand, the complement: KCNJ11 is on the minus strand). VCF-style: chr11-17385722-C-T. GRCh37 (hg19) VCF-style: chr11-17407269-C-T.
Other names: c.*1197G>A (NM_001166290.2, NM_001377296.1, NM_001377297.1).
Identifiers: ClinVar variation 303708 (VCV000303708.30), dbSNP rs191682072, ClinGen allele CA10638582.